The following is an entry in ClinVar:

ClinVar aggregate classification (germline): Uncertain significance. Review status: criteria provided, multiple submitters, no conflicts (2 of 4 stars). 2 submissions from 2 submitters: Uncertain significance (2). Last evaluated 2025-04-15.

Conditions:
Idiopathic generalized epilepsy. Also called: Generalised epilepsy; EIG. Identifiers: MedGen C0270850, MONDO:0005579, OMIM 600669.
Epilepsy, idiopathic generalized, susceptibility to, 13. Also called: EPILEPSY, JUVENILE MYOCLONIC, SUSCEPTIBILITY TO, 5. Identifiers: Orphanet 307, Orphanet 64280, MedGen C4013473, MONDO:0012627, OMIM 611136.
Epilepsy, childhood absence 4 (ECA4). Also called: EPILEPSY, CHILDHOOD ABSENCE, SUSCEPTIBILITY TO, 4. Identifiers: Orphanet 307, MedGen C1970160.

Submissions (2):

Women's Health and Genetics/Laboratory Corporation of America, LabCorp
Classification: Uncertain significance. Last evaluated: 2025-04-15. Review status: criteria provided, single submitter. Criteria: LabCorp Variant Classification Summary - May 2015. Collection method: clinical testing. Allele origin: germline.
Comment: Variant summary: GABRA1 c.824A>G (p.Asn275Ser) results in a conservative amino acid change located in the Neurotransmitter-gated ion-channel transmembrane domain (IPR006029) of the encoded protein sequence. Four of five in-silico tools predict a damaging effect of the variant on protein function. The variant was absent in 251184 control chromosomes. The available data on variant occurrences in the general population are insufficient to allow any conclusion about variant significance. De novo c.824A>G has been reported in the literature in an individual affected with Developmental Delay with multiple other de novo variants from other genes (Turner_2019, McRae_2016). These report(s) do not provide unequivocal conclusions about association of the variant with Developmental And Epileptic Encephalopathy, 19. To our knowledge, no experimental evidence demonstrating an impact on protein function has been reported. The following publications have been ascertained in the context of this evaluation (PMID: 31785789, McRae_2016 no PMID). ClinVar contains an entry for this variant (Variation ID: 938090). Based on the evidence outlined above, the variant was classified as uncertain significance.

Labcorp Genetics (formerly Invitae), Labcorp
Classification: Uncertain significance for Epilepsy, childhood absence 4; Epilepsy, idiopathic generalized, susceptibility to, 13; Idiopathic generalized epilepsy. Last evaluated: 2023-04-15. Review status: criteria provided, single submitter. Criteria: Invitae Variant Classification Sherloc (09022015). Collection method: clinical testing. Allele origin: germline.
Comment: This sequence change replaces asparagine, which is neutral and polar, with serine, which is neutral and polar, at codon 275 of the GABRA1 protein (p.Asn275Ser). This missense change has been observed in individual(s) with clinical features of GABRA1-related conditions (PMID: 31785789). This variant is not present in population databases (gnomAD no frequency). In summary, the available evidence is currently insufficient to determine the role of this variant in disease. Therefore, it has been classified as a Variant of Uncertain Significance. ClinVar contains an entry for this variant (Variation ID: 938090). Advanced modeling of protein sequence and biophysical properties (such as structural, functional, and spatial information, amino acid conservation, physicochemical variation, residue mobility, and thermodynamic stability) performed at Invitae indicates that this missense variant is expected to disrupt GABRA1 protein function.

Literature cited by the submitters: PubMed 31785789 (cited by Women's Health and Genetics/Laboratory Corporation of America, LabCorp and Labcorp Genetics (formerly Invitae), Labcorp).

NM_001127644.2(GABRA1):c.824A>G (p.Asn275Ser)

Gene: GABRA1 (gamma-aminobutyric acid type A receptor subunit alpha1; plus strand). Cytogenetic location: 5q34.
Variant type: single nucleotide variant.
Coding change: c.824A>G on transcript NM_001127644.2 (MANE Select); coding-DNA position 824, A replaced by G.
Protein change: p.Asn275Ser; replaces asparagine 275 with serine.
Molecular consequence: missense variant.
Genome position (GRCh38, 1-based): chr5:161,891,018, A>G. VCF-style: chr5-161891018-A-G. GRCh37 (hg19) VCF-style: chr5-161318024-A-G.
Other names: c.824A>G, p.Asn275Ser (NM_000806.5, NM_001127643.2, NM_001127645.2 and 1 more transcripts); short protein forms N275S.
Identifiers: ClinVar variation 938090 (VCV000938090.11), dbSNP rs1755063824, ClinGen allele CA362179983.